The following is an entry in ClinVar:

ClinVar aggregate classification (germline): Uncertain significance. Review status: criteria provided, multiple submitters, no conflicts (2 of 4 stars). 4 submissions from 4 submitters: Uncertain significance (4). Last evaluated 2024-02-24.

Conditions:
FAH-related disorder. Also called: FAH-related condition.
Tyrosinemia type I (TYRSN1). Also called: Tyrosinemia type 1; Fumarylacetoacetase deficiency; HEPATORENAL TYROSINEMIA; FAH DEFICIENCY; Deficiency of fumarylacetoacetase. Identifiers: Orphanet 882, MedGen C0268490, MONDO:0010161, OMIM 276700. Disease mechanism: loss of function.

Allele frequency attached by ClinVar (database versions not stated): ExAC 0.00002; gnomAD exomes 0.00002 and 0.00004; gnomAD 0.00004 and 0.00005; TOPMed 0.00008.
gnomAD v4.1: 41 of 1,614,100 alleles (0.0025%); highest among the groups gnomAD compares: Middle Eastern, 0.016%; no homozygotes.

Submissions (4):

Fulgent Genetics
Classification: Uncertain significance for Tyrosinemia type I. Last evaluated: 2024-02-24. Review status: criteria provided, single submitter. Criteria: ACMG Guidelines, 2015. Collection method: clinical testing. Allele origin: germline.

PreventionGenetics, part of Exact Sciences
Classification: Uncertain significance for FAH-related condition. Last evaluated: 2023-05-08. Review status: criteria provided, single submitter. Criteria: ACMG Guidelines, 2015. Collection method: clinical testing. Allele origin: germline.
Comment: The FAH c.1204C>T variant is predicted to result in the amino acid substitution p.Arg402Cys. To our knowledge, this variant has not been reported in the literature. This variant is reported in 0.025% of alleles in individuals of East Asian descent in gnomAD. At this time, the clinical significance of this variant is uncertain due to the absence of conclusive functional and genetic evidence.

Labcorp Genetics (formerly Invitae), Labcorp
Classification: Uncertain significance for Tyrosinemia type I. Last evaluated: 2022-01-17. Review status: criteria provided, single submitter. Criteria: Invitae Variant Classification Sherloc (09022015). Collection method: clinical testing. Allele origin: germline.
Comment: This sequence change replaces arginine, which is basic and polar, with cysteine, which is neutral and slightly polar, at codon 402 of the FAH protein (p.Arg402Cys). This variant is present in population databases (rs780378868, gnomAD 0.03%). This variant has not been reported in the literature in individuals affected with FAH-related conditions. ClinVar contains an entry for this variant (Variation ID: 498763). Algorithms developed to predict the effect of missense changes on protein structure and function (SIFT, PolyPhen-2, Align-GVGD) all suggest that this variant is likely to be disruptive. In summary, the available evidence is currently insufficient to determine the role of this variant in disease. Therefore, it has been classified as a Variant of Uncertain Significance.

Eurofins Ntd Llc (ga)
Classification: Uncertain significance. Last evaluated: 2016-12-16. Review status: criteria provided, single submitter. Criteria: EGL Classification Definitions 2015. Collection method: clinical testing. Allele origin: germline. Observed: 1 variant allele, 1 heterozygote.

NM_000137.4(FAH):c.1204C>T (p.Arg402Cys)

Gene: FAH (fumarylacetoacetate hydrolase; plus strand). Cytogenetic location: 15q25.1.
Variant type: single nucleotide variant.
Coding change: c.1204C>T on transcript NM_000137.4 (MANE Select); coding-DNA position 1204, C replaced by T.
Protein change: p.Arg402Cys; replaces arginine 402 with cysteine.
Molecular consequence: missense variant.
Genome position (GRCh38, 1-based): chr15:80,186,153, C>T. VCF-style: chr15-80186153-C-T. GRCh37 (hg19) VCF-style: chr15-80478495-C-T.
Other names: c.1204C>T, p.Arg402Cys (NM_001374377.1, NM_001374380.1); c.1204C>T (NM_000137.2); short protein forms R402C.
Identifiers: ClinVar variation 498763 (VCV000498763.8), dbSNP rs780378868, ClinGen allele CA7691529.
Genomic context (GRCh38, chr15:80,186,153, plus strand): 5'-CAACTTTGTGACTGATCCTTGTCCTCCTCTGTTCCAGGGTACTGCCAGGGGGATGGTTAC[C>T]GCATCGGCTTTGGCCAGTGTGCTGGAAAAGTGCTGCCTGCTCTCCTGCCATCATGAGATT-3'
Protein context (NP_000128.1, residues 392-412): ITGYCQGDGY[Arg402Cys]IGFGQCAGKV